The following is an entry in ClinVar:

ClinVar aggregate classification (germline): Uncertain significance (1 of 4 stars; one submission).

Submission:

Labcorp Genetics (formerly Invitae), Labcorp
Classification: Uncertain significance. Last evaluated: 2025-12-09. Review status: criteria provided, single submitter. Criteria: Invitae Variant Classification Sherloc (09022015). Collection method: clinical testing. Allele origin: germline.
Comment: This sequence change replaces methionine, which is neutral and non-polar, with valine, which is neutral and non-polar, at codon 1867 of the RTTN protein (p.Met1867Val). This variant is present in population databases (rs773504797, gnomAD 0.003%). This variant has not been reported in the literature in individuals affected with RTTN-related conditions. Invitae Evidence Modeling of protein sequence and biophysical properties (such as structural, functional, and spatial information, amino acid conservation, physicochemical variation, residue mobility, and thermodynamic stability) indicates that this missense variant is not expected to disrupt RTTN protein function with a negative predictive value of 80%. In summary, the available evidence is currently insufficient to determine the role of this variant in disease. Therefore, it has been classified as a Variant of Uncertain Significance.

NM_173630.4(RTTN):c.5599A>G (p.Met1867Val)

Gene: RTTN (rotatin; minus strand). Cytogenetic location: 18q22.2.
Variant type: single nucleotide variant.
Coding change: c.5599A>G on transcript NM_173630.4 (MANE Select); coding-DNA position 5599, A replaced by G.
Protein change: p.Met1867Val; replaces methionine 1867 with valine.
Molecular consequence: missense variant.
Genome position (GRCh38, 1-based): chr18:70,030,924, T>C on the plus strand (A>G on the coding strand, the complement: RTTN is on the minus strand). VCF-style: chr18-70030924-T-C. GRCh37 (hg19) VCF-style: chr18-67698160-T-C.
Other names: c.2863A>G, p.Met955Val (NM_001318520.2); short protein forms M1867V, M955V.
Identifiers: ClinVar variation 4782037 (VCV004782037.1).